The following is an entry in ClinVar:

NM_001846.4(COL4A2):c.4099dup (p.Arg1367fs)

Genes: COL4A2 (collagen type IV alpha 2 chain; plus strand), COL4A2-AS1 (COL4A2 antisense RNA 1; minus strand). Cytogenetic location: 13q34.
Variant type: Duplication.
Coding change: c.4099dup on transcript NM_001846.4 (MANE Select); coding-DNA position 4099, one base duplicated (A; older notation c.4099dupA).
Protein change: p.Arg1367fs; shifts the reading frame from arginine 1367.
Molecular consequence: frameshift variant.
Genome position (GRCh38, 1-based): chr13:110,503,442, A duplicated. VCF-style (leftmost placement, unchanged base first): chr13-110503441-C-CA. GRCh37 (hg19) VCF-style: chr13-111155788-C-CA.
Other names: short protein forms R1367fs.
Identifiers: ClinVar variation 4851340 (VCV004851340.1).

ClinVar aggregate classification (germline): Likely pathogenic (1 of 4 stars; one submission).

Conditions:
Fetal anomalies with a likely genetic cause.

Submission:

Genetics Laboratory, Great Ormond Street Hospital NHS Foundation Trust, North Thames Genomic Laboratory Hub
Classification: Likely pathogenic for Fetal anomalies with a likely genetic cause. Last evaluated: 2026-03-23. Review status: criteria provided, single submitter. Criteria: ACGS Best Practice Guidelines for Variant Classification in Rare Disease 2024 v1.2. Collection method: clinical testing. Allele origin: germline. Affected: yes.
Comment: PM2_moderate, PVS1_strong